The following is an entry in ClinVar:

NM_022356.4(P3H1):c.908A>T (p.His303Leu)

Gene: P3H1 (prolyl 3-hydroxylase 1; minus strand). Cytogenetic location: 1p34.2.
Variant type: single nucleotide variant.
Coding change: c.908A>T on transcript NM_022356.4 (MANE Select); coding-DNA position 908, A replaced by T.
Protein change: p.His303Leu; replaces histidine 303 with leucine.
Molecular consequence: missense variant.
Genome position (GRCh38, 1-based): chr1:42,758,884, T>A on the plus strand (A>T on the coding strand, the complement: P3H1 is on the minus strand). VCF-style: chr1-42758884-T-A. GRCh37 (hg19) VCF-style: chr1-43224555-T-A.
Other names: c.908A>T, p.His303Leu (NM_001146289.2, NM_001243246.2); short protein forms H303L.
Identifiers: ClinVar variation 1476229 (VCV001476229.5), dbSNP rs1191275386, ClinGen allele CA339959392.
Genomic context (GRCh38, chr1:42,758,884, plus strand): 5'-GAGAAAGAGGAAGGAAAGTAGGCCTTACTGTTATAGTAGGCAAACTGCAGATAATTATAA[T>A]GCGATGGGAGGAAGTCTTCAAAGGGCTTCTCTCGACTTGGGTGGGAAGCAAGCTCCGTGA-3'
Protein context (NP_071751.3, residues 293-313): EKPFEDFLPS[His303Leu]YNYLQFAYYN

ClinVar aggregate classification (germline): Uncertain significance (1 of 4 stars; one submission).

Conditions:
Osteogenesis imperfecta type 8 (OI8). Identifiers: MedGen C1970458, MONDO:0012581, OMIM 610915.

Allele frequency attached by ClinVar (database versions not stated): gnomAD 0.00001; TOPMed 0.00001.
gnomAD v4.1: 13 of 1,614,020 alleles (0.00081%); highest among the groups gnomAD compares: Non-Finnish European, 0.0011%; no homozygotes.

Submission:

Labcorp Genetics (formerly Invitae), Labcorp
Classification: Uncertain significance for Osteogenesis imperfecta type 8. Last evaluated: 2021-08-30. Review status: criteria provided, single submitter. Criteria: Invitae Variant Classification Sherloc (09022015). Collection method: clinical testing. Allele origin: germline.
Comment: This sequence change replaces histidine with leucine at codon 303 of the P3H1 protein (p.His303Leu). The histidine residue is highly conserved and there is a moderate physicochemical difference between histidine and leucine. This variant is not present in population databases (ExAC no frequency). This variant has not been reported in the literature in individuals affected with P3H1-related conditions. Algorithms developed to predict the effect of missense changes on protein structure and function (SIFT, PolyPhen-2, Align-GVGD) all suggest that this variant is likely to be disruptive. In summary, the available evidence is currently insufficient to determine the role of this variant in disease. Therefore, it has been classified as a Variant of Uncertain Significance.